The following is an entry in ClinVar:

NM_000452.3(SLC10A2):c.604G>T (p.Ala202Ser)

Gene: SLC10A2 (solute carrier family 10 member 2; minus strand). Cytogenetic location: 13q33.1.
Variant type: single nucleotide variant.
Coding change: c.604G>T on transcript NM_000452.3 (MANE Select); coding-DNA position 604, G replaced by T.
Protein change: p.Ala202Ser; replaces alanine 202 with serine.
Molecular consequence: missense variant.
Genome position (GRCh38, 1-based): chr13:103,051,414, C>A on the plus strand (G>T on the coding strand, the complement: SLC10A2 is on the minus strand). VCF-style: chr13-103051414-C-A. GRCh37 (hg19) VCF-style: chr13-103703764-C-A.
Other names: short protein forms A202S.
Identifiers: ClinVar variation 596949 (VCV000596949.9), dbSNP rs144135132, ClinGen allele CA7042111.
Genomic context (GRCh38, chr13:103,051,414, plus strand): 5'-TGATCCAGGCGCTTTGGTACAATATTCCTCCAACCACAGCTATGAGCACAATGAGGATGG[C>A]GCCCGCGATGGACCCAATCTGAAAAAAAAAGGAATAAGTGAACCCAGCAATCATGAGTCA-3'
Protein context (NP_000443.2, residues 192-212): IILKIGSIAG[Ala202Ser]ILIVLIAVVG

ClinVar aggregate classification (germline): Uncertain significance. Review status: criteria provided, multiple submitters, no conflicts (2 of 4 stars). 2 submissions from 2 submitters: Uncertain significance (2). Last evaluated 2025-12-22.

Allele frequency attached by ClinVar (database versions not stated): TOPMed 0.00005.
gnomAD v4.1: 70 of 1,613,762 alleles (0.0043%); highest among the groups gnomAD compares: Non-Finnish European, 0.0058%; 1 homozygote.

Submissions (2):

Labcorp Genetics (formerly Invitae), Labcorp
Classification: Uncertain significance. Last evaluated: 2025-12-22. Review status: criteria provided, single submitter. Criteria: Invitae Variant Classification Sherloc (09022015). Collection method: clinical testing. Allele origin: germline.
Comment: This sequence change replaces alanine, which is neutral and non-polar, with serine, which is neutral and polar, at codon 202 of the SLC10A2 protein (p.Ala202Ser). This variant is present in population databases (rs144135132, gnomAD 0.007%). This variant has not been reported in the literature in individuals affected with SLC10A2-related conditions. ClinVar contains an entry for this variant (Variation ID: 596949). Invitae Evidence Modeling of protein sequence and biophysical properties (such as structural, functional, and spatial information, amino acid conservation, physicochemical variation, residue mobility, and thermodynamic stability) indicates that this missense variant is not expected to disrupt SLC10A2 protein function with a negative predictive value of 80%. In summary, the available evidence is currently insufficient to determine the role of this variant in disease. Therefore, it has been classified as a Variant of Uncertain Significance.

Eurofins Ntd Llc (ga)
Classification: Uncertain significance. Last evaluated: 2018-05-04. Review status: criteria provided, single submitter. Criteria: EGL ClinVar v180209 classification definitions. Collection method: clinical testing. Allele origin: germline. Observed: 1 variant allele, 1 heterozygote.